The following is an entry in ClinVar:

ClinVar aggregate classification (germline): Uncertain significance. Review status: criteria provided, single submitter (1 of 4 stars). 2 submissions from 2 submitters: Uncertain significance (1). 1 of the submissions does not count toward it. Last evaluated 2023-07-17.

Conditions:
Holocarboxylase synthetase deficiency. Also called: MULTIPLE CARBOXYLASE DEFICIENCY, EARLY ONSET. Identifiers: Orphanet 79242, MedGen C0268581, MONDO:0009666, OMIM 253270.

Allele frequency attached by ClinVar (database versions not stated): ExAC 0.00001; gnomAD exomes 0.00001; gnomAD 0.00002; TOPMed 0.00003.
gnomAD v4.1: 15 of 1,613,918 alleles (0.00093%); highest among the groups gnomAD compares: East Asian, 0.0067%; no homozygotes.

Submissions (2):

Labcorp Genetics (formerly Invitae), Labcorp
Classification: Uncertain significance for Holocarboxylase synthetase deficiency. Last evaluated: 2023-07-17. Review status: criteria provided, single submitter. Criteria: Invitae Variant Classification Sherloc (09022015). Collection method: clinical testing. Allele origin: germline.
Comment: ClinVar contains an entry for this variant (Variation ID: 989614). This sequence change replaces glycine, which is neutral and non-polar, with serine, which is neutral and polar, at codon 702 of the HLCS protein (p.Gly702Ser). This variant is present in population databases (rs773752745, gnomAD 0.01%). This variant has not been reported in the literature in individuals affected with HLCS-related conditions. Advanced modeling of protein sequence and biophysical properties (such as structural, functional, and spatial information, amino acid conservation, physicochemical variation, residue mobility, and thermodynamic stability) performed at Invitae indicates that this missense variant is not expected to disrupt HLCS protein function. In summary, the available evidence is currently insufficient to determine the role of this variant in disease. Therefore, it has been classified as a Variant of Uncertain Significance.

Natera, Inc.
Classification: Uncertain significance for Holocarboxylase synthetase deficiency. Last evaluated: 2020-05-11. Review status: no assertion criteria provided. Collection method: clinical testing. Allele origin: germline. Not counted in ClinVar's aggregate classification.

NM_001352514.2(HLCS):c.2545G>A (p.Gly849Ser)

Gene: HLCS (holocarboxylase synthetase; minus strand). Cytogenetic location: 21q22.13.
Variant type: single nucleotide variant.
Coding change: c.2545G>A on transcript NM_001352514.2 (MANE Select); coding-DNA position 2545, G replaced by A.
Protein change: p.Gly849Ser; replaces glycine 849 with serine.
Molecular consequence: missense variant. On other transcripts: non-coding transcript variant (2).
Genome position (GRCh38, 1-based): chr21:36,754,323, C>T on the plus strand (G>A on the coding strand, the complement: HLCS is on the minus strand). VCF-style: chr21-36754323-C-T. GRCh37 (hg19) VCF-style: chr21-38126624-C-T.
Other names: c.2104G>A, p.Gly702Ser (NM_000411.8, NM_001242784.3, NM_001242785.2 and 4 more transcripts); short protein forms G702S, G849S.
Identifiers: ClinVar variation 989614 (VCV000989614.4), dbSNP rs773752745, ClinGen allele CA10020222.